The following is an entry in ClinVar:

NM_000498.3(CYP11B2):c.325_326inv (p.Cys109His)

Genes: CYP11B2 (cytochrome P450 family 11 subfamily B member 2; minus strand), LOC106799834 (CYP11B2 recombination region; plus strand). Cytogenetic location: 8q24.3.
Variant type: Inversion.
Coding change: c.325_326inv on transcript NM_000498.3 (MANE Select).
Protein change: p.Cys109His; replaces cysteine 109 with histidine.
Molecular consequence: missense variant.
Genome position: GRCh38 VCF-style: chr8-142917128-CA-TG. GRCh37 (hg19) VCF-style: chr8-143998544-CA-TG.
Other names: short protein forms C109H.
Identifiers: ClinVar variation 2199020 (VCV002199020.1), ClinGen allele CA2580078630.

ClinVar aggregate classification (germline): Uncertain significance (1 of 4 stars; one submission).

Submission:

Labcorp Genetics (formerly Invitae), Labcorp
Classification: Uncertain significance. Last evaluated: 2022-07-21. Review status: criteria provided, single submitter. Criteria: Invitae Variant Classification Sherloc (09022015). Collection method: clinical testing. Allele origin: germline.
Comment: This sequence change replaces cysteine, which is neutral and slightly polar, with histidine, which is basic and polar, at codon 109 of the CYP11B2 protein (p.Cys109His). The frequency data for this variant in the population databases is considered unreliable, as metrics indicate poor data quality at this position in the gnomAD database. This variant has not been reported in the literature in individuals affected with CYP11B2-related conditions. Algorithms developed to predict the effect of missense changes on protein structure and function output the following: SIFT: "Not Available"; PolyPhen-2: "Benign"; Align-GVGD: "Not Available". The histidine amino acid residue is found in multiple mammalian species, which suggests that this missense change does not adversely affect protein function. In summary, the available evidence is currently insufficient to determine the role of this variant in disease. Therefore, it has been classified as a Variant of Uncertain Significance.